The following is an entry in ClinVar:

ClinVar aggregate classification (germline): Uncertain significance (1 of 4 stars; one submission).

Allele frequency attached by ClinVar (database versions not stated): gnomAD exomes below 0.00001.
gnomAD v4.1: 1 of 1,585,568 alleles (0.000063%); highest among the groups gnomAD compares: Non-Finnish European, 0.000087%; no homozygotes.

Submission:

Ambry Genetics
Classification: Uncertain significance. Last evaluated: 2023-11-05. Review status: criteria provided, single submitter. Criteria: Ambry Variant Classification Scheme 2023. Collection method: clinical testing. Allele origin: germline.
Comment: The p.R97G variant (also known as c.289A>G), located in coding exon 4 of the NPAT gene, results from an A to G substitution at nucleotide position 289. The arginine at codon 97 is replaced by glycine, an amino acid with dissimilar properties. This amino acid position is conserved. In addition, the in silico prediction for this alteration is inconclusive. Since supporting evidence is limited at this time, the clinical significance of this alteration remains unclear.

NM_002519.3(NPAT):c.289A>G (p.Arg97Gly)

Gene: NPAT (nuclear protein, coactivator of histone transcription; minus strand). Cytogenetic location: 11q22.3.
Variant type: single nucleotide variant.
Coding change: c.289A>G on transcript NM_002519.3 (MANE Select); coding-DNA position 289, A replaced by G.
Protein change: p.Arg97Gly; replaces arginine 97 with glycine.
Molecular consequence: missense variant.
Genome position (GRCh38, 1-based): chr11:108,192,119, T>C on the plus strand (A>G on the coding strand, the complement: NPAT is on the minus strand). VCF-style: chr11-108192119-T-C. GRCh37 (hg19) VCF-style: chr11-108062846-T-C.
Other names: c.289A>G, p.Arg97Gly (NM_001321307.1); short protein forms R97G.
Identifiers: ClinVar variation 3222562 (VCV003222562.1), dbSNP rs2496751235, ClinGen allele CA382526494.
Genomic context (GRCh38, chr11:108,192,119, plus strand): 5'-TTAAACCCAAAGTGTATTTGCATTCCAAAATCATTAGGCACATTCTAATAGCTTATTACC[T>C]GATCTGAGAAAGTGTATGGTCCAATTTCTTCCATAGAGATGACATTATTGCTGGGACATT-3'
Protein context (NP_002510.2, residues 87-107): KKLDHTLSQI[Arg97Gly]SMQSSPRFAG